The following is an entry in ClinVar:

ClinVar aggregate classification (germline): Likely benign (1 of 4 stars; one submission).

Conditions:
LRRC45-related disorder. Also called: LRRC45-related condition.

Submission:

PreventionGenetics, part of Exact Sciences
Classification: Likely benign for LRRC45-related condition. Last evaluated: 2024-12-27. Review status: criteria provided, single submitter. Criteria: ACMG Guidelines, 2015. Collection method: clinical testing. Allele origin: germline.
Comment: This variant is classified as likely benign based on ACMG/AMP sequence variant interpretation guidelines (Richards et al. 2015 PMID: 25741868, with internal and published modifications).

NM_144999.4(LRRC45):c.*1G>C

Gene: LRRC45 (leucine rich repeat containing 45; plus strand). Cytogenetic location: 17q25.3.
Variant type: single nucleotide variant.
Coding change: c.*1G>C on transcript NM_144999.4 (MANE Select); 1 bases downstream of the stop codon, G replaced by C.
Molecular consequence: 3 prime UTR variant.
Genome position (GRCh38, 1-based): chr17:82,030,806, G>C. VCF-style: chr17-82030806-G-C. GRCh37 (hg19) VCF-style: chr17-79988682-G-C.
Identifiers: ClinVar variation 4987282 (VCV004987282.1).